The following is an entry in ClinVar:

NM_007194.4(CHEK2):c.372C>A (p.Cys124Ter)

Gene: CHEK2 (checkpoint kinase 2; minus strand). Cytogenetic location: 22q12.1.
Variant type: single nucleotide variant.
Coding change: c.372C>A on transcript NM_007194.4 (MANE Select); coding-DNA position 372, C replaced by A.
Protein change: p.Cys124Ter; replaces cysteine 124 with a stop codon.
Molecular consequence: nonsense.
Genome position (GRCh38, 1-based): chr22:28,725,315, G>T on the plus strand (C>A on the coding strand, the complement: CHEK2 is on the minus strand). VCF-style: chr22-28725315-G-T. GRCh37 (hg19) VCF-style: chr22-29121303-G-T.
Other names: c.501C>A, p.Cys167Ter (NM_001005735.3); c.-406C>A (NM_001257387.3); c.372C>A, p.Cys124Ter (NM_001349956.3, NM_145862.3); short protein forms C124*, C167*.
Identifiers: ClinVar variation 479575 (VCV000479575.6), dbSNP rs1555927291, ClinGen allele CA411108111.

ClinVar aggregate classification (germline): Pathogenic. Review status: criteria provided, multiple submitters, no conflicts (2 of 4 stars). 2 submissions from 2 submitters: Pathogenic (2). Last evaluated 2025-02-04.

Conditions:
Hereditary cancer-predisposing syndrome. Also called: Hereditary Cancer Syndrome; Neoplastic Syndromes, Hereditary; Tumor predisposition; Hereditary neoplastic syndrome. Identifiers: Orphanet 140162, MedGen C0027672, MeSH D009386, MONDO:0015356.
Familial cancer of breast. Also called: BREAST CANCER, FAMILIAL; Hereditary breast cancer; hereditary breast carcinoma. Identifiers: Orphanet 227535, MedGen C0346153, MONDO:0016419, OMIM 114480. Disease mechanism: loss of function.

Submissions (2):

Labcorp Genetics (formerly Invitae), Labcorp
Classification: Pathogenic for Familial cancer of breast. Last evaluated: 2025-02-04. Review status: criteria provided, single submitter. Criteria: Invitae Variant Classification Sherloc (09022015). Collection method: clinical testing. Allele origin: germline.
Comment: This sequence change creates a premature translational stop signal (p.Cys124*) in the CHEK2 gene. It is expected to result in an absent or disrupted protein product. Loss-of-function variants in CHEK2 are known to be pathogenic (PMID: 21876083, 24713400). This variant is not present in population databases (gnomAD no frequency). This variant has not been reported in the literature in individuals affected with CHEK2-related conditions. ClinVar contains an entry for this variant (Variation ID: 479575). For these reasons, this variant has been classified as Pathogenic.

Ambry Genetics
Classification: Pathogenic for Hereditary cancer-predisposing syndrome. Last evaluated: 2016-09-16. Review status: criteria provided, single submitter. Criteria: Ambry Variant Classification Scheme 2023. Collection method: clinical testing. Allele origin: germline.
Comment: The p.C124* pathogenic mutation (also known as c.372C>A), located in coding exon 2 of the CHEK2 gene, results from a C to A substitution at nucleotide position 372. This changes the amino acid from a cysteine to a stop codon within coding exon 2. This alteration is expected to result in loss of function by premature protein truncation or nonsense-mediated mRNA decay. As such, this alteration is interpreted as a disease-causing mutation.

Literature cited by the submitters: PubMed 21876083 (cited by Labcorp Genetics (formerly Invitae), Labcorp); PubMed 24713400 (cited by Labcorp Genetics (formerly Invitae), Labcorp).